The following is an entry in ClinVar:

NM_001165963.4(SCN1A):c.4444dup (p.Ile1482fs)

Genes: SCN1A (sodium voltage-gated channel alpha subunit 1; minus strand), LOC102724058 (uncharacterized LOC102724058; plus strand). Cytogenetic location: 2q24.3.
Variant type: Duplication.
Coding change: c.4444dup on transcript NM_001165963.4 (MANE Select); coding-DNA position 4444, one base duplicated (A; older notation c.4444dupA).
Protein change: p.Ile1482fs; shifts the reading frame from isoleucine 1482.
Molecular consequence: frameshift variant. On other transcripts: non-coding transcript variant (1).
Genome position (GRCh38, 1-based): chr2:165,998,070, T duplicated on the plus strand (A on the coding strand, the reverse complement: SCN1A is on the minus strand). VCF-style (leftmost placement, unchanged base first): chr2-165998069-A-AT. GRCh37 (hg19) VCF-style: chr2-166854579-A-AT.
Other names: c.4360dup, p.Ile1454fs (NM_001165964.3, NM_001353957.2, NM_001353958.2); c.4444dup, p.Ile1482fs (NM_001202435.3, NM_001353948.2); c.4411dup, p.Ile1471fs (NM_001353949.2, NM_001353950.2, NM_001353951.2 and 2 more transcripts); c.4408dup, p.Ile1470fs (NM_001353954.2, NM_001353955.2); c.4357dup, p.Ile1453fs (NM_001353960.2); c.2002dup, p.Ile668fs (NM_001353961.2); short protein forms I1471fs, I1482fs, I1453fs, I1470fs, I1454fs, I668fs.
Identifiers: ClinVar variation 651393 (VCV000651393.2), dbSNP rs1573984004, ClinGen allele CA915942873.

ClinVar aggregate classification (germline): Pathogenic (1 of 4 stars; one submission).

Conditions:
Developmental and epileptic encephalopathy. Identifiers: MedGen C5779964, MONDO:0100620.

Submission:

Labcorp Genetics (formerly Invitae), Labcorp
Classification: Pathogenic for Early infantile epileptic encephalopathy with suppression bursts. Last evaluated: 2018-11-20. Review status: criteria provided, single submitter. Criteria: Invitae Variant Classification Sherloc (09022015). Collection method: clinical testing. Allele origin: germline.
Comment: This sequence change creates a premature translational stop signal (p.Ile1482Asnfs*4) in the SCN1A gene. It is expected to result in an absent or disrupted protein product. This variant is not present in population databases (ExAC no frequency). This variant has not been reported in the literature in individuals with SCN1A-related disease. Loss-of-function variants in SCN1A are known to be pathogenic (PMID: 17347258, 18930999). For these reasons, this variant has been classified as Pathogenic.